The following is an entry in ClinVar:

ClinVar aggregate classification (germline): Uncertain significance (1 of 4 stars; one submission).

Conditions:
Developmental and epileptic encephalopathy, 1 (DEE1). Also called: X-linked infantile spasms; West's syndrome; Tonic spasms with clustering, arrest of psychomotor development and hypsarrhythmia on EEG; X-Linked Infantile Spasm Syndrome; OHTAHARA SYNDROME, X-LINKED; INFANTILE SPASM SYNDROME, X-LINKED 1. Identifiers: MedGen C3463992, MONDO:0010632, OMIM 308350. Disease mechanism: loss of function.
Autosomal recessive spinocerebellar ataxia 12. Also called: SPINOCEREBELLAR ATAXIA WITH MENTAL RETARDATION AND EPILEPSY. Identifiers: Orphanet 284282, MedGen C3280452, MONDO:0013687, OMIM 614322.

gnomAD v4.1: 3 of 1,614,138 alleles (0.00019%); highest among the groups gnomAD compares: South Asian, 0.0033%; no homozygotes.

Submission:

Labcorp Genetics (formerly Invitae), Labcorp
Classification: Uncertain significance for Developmental and epileptic encephalopathy, 1; Autosomal recessive spinocerebellar ataxia 12. Last evaluated: 2022-04-24. Review status: criteria provided, single submitter. Criteria: Invitae Variant Classification Sherloc (09022015). Collection method: clinical testing. Allele origin: germline.
Comment: In summary, the available evidence is currently insufficient to determine the role of this variant in disease. Therefore, it has been classified as a Variant of Uncertain Significance. This sequence change replaces isoleucine, which is neutral and non-polar, with asparagine, which is neutral and polar, at codon 268 of the WWOX protein (p.Ile268Asn). This variant is present in population databases (no rsID available, gnomAD 0.003%). This variant has not been reported in the literature in individuals affected with WWOX-related conditions. Algorithms developed to predict the effect of missense changes on protein structure and function are either unavailable or do not agree on the potential impact of this missense change (SIFT: "Not Available"; PolyPhen-2: "Possibly Damaging"; Align-GVGD: "Not Available").

NM_016373.4(WWOX):c.803T>A (p.Ile268Asn)

Gene: WWOX (WW domain containing oxidoreductase; plus strand). Cytogenetic location: 16q23.1.
Variant type: single nucleotide variant.
Coding change: c.803T>A on transcript NM_016373.4 (MANE Select); coding-DNA position 803, T replaced by A.
Protein change: p.Ile268Asn; replaces isoleucine 268 with asparagine.
Molecular consequence: missense variant.
Genome position (GRCh38, 1-based): chr16:78,432,499, T>A. VCF-style: chr16-78432499-T-A. GRCh37 (hg19) VCF-style: chr16-78466396-T-A.
Other names: c.464T>A, p.Ile155Asn (NM_001291997.2); short protein forms I155N, I268N.
Identifiers: ClinVar variation 2170937 (VCV002170937.4), dbSNP rs1202210719, ClinGen allele CA396843048.